The following is an entry in ClinVar:

NM_005787.6(ALG3):c.165C>T (p.Gly55=)

Gene: ALG3 (ALG3 alpha-1,3- mannosyltransferase; minus strand). Cytogenetic location: 3q27.1.
Variant type: single nucleotide variant.
Coding change: c.165C>T on transcript NM_005787.6 (MANE Select); coding-DNA position 165, C replaced by T.
Protein change: p.Gly55=; no amino-acid change (glycine 55 retained).
Molecular consequence: synonymous variant. On other transcripts: non-coding transcript variant (1), intron variant (1).
Genome position (GRCh38, 1-based): chr3:184,248,776, G>A on the plus strand (C>T on the coding strand, the complement: ALG3 is on the minus strand). VCF-style: chr3-184248776-G-A. GRCh37 (hg19) VCF-style: chr3-183966564-G-A.
Other names: NM_005787.6(ALG3):c.165C>T; p.Gly55=; c.52+450C>T (NM_001006941.2).
Identifiers: ClinVar variation 2128 (VCV000002128.15), dbSNP rs387906273, ClinGen allele CA252105.
Genomic context (GRCh38, chr3:184,248,776, plus strand): 5'-TCCCCTCCCCTCCCCCTCGGCGCACTCACATGCCACCCTGTGAATGACCCAGAAGGTGAT[G>A]CCCACCTCCGCCAGGCAGAGGCAGGCGGCCACCAGCAGCGTGTAGCGCGGCTCCCGCAGC-3'
Protein context (NP_005778.1, residues 45-65): VAACLCLAEV[Gly55=]ITFWVIHRVA

ClinVar aggregate classification (germline): Pathogenic/Likely pathogenic. Review status: criteria provided, multiple submitters, no conflicts (2 of 4 stars). 5 submissions from 5 submitters: Pathogenic (3); Likely pathogenic (1). 1 of the submissions does not count toward it. Last evaluated 2025-04-21.

Conditions:
ALG3-congenital disorder of glycosylation. Also called: CONGENITAL DISORDER OF GLYCOSYLATION, TYPE Id; CARBOHYDRATE-DEFICIENT GLYCOPROTEIN SYNDROME, TYPE IV; CDGS, TYPE IV; CDG Id; ALG3-CDG. Identifiers: Orphanet 79321, MedGen C1832736, MONDO:0010998, OMIM 601110.

Allele frequency attached by ClinVar (database versions not stated): gnomAD exomes below 0.00001 and 0.00005; gnomAD 0.00001; ExAC 0.00002; TOPMed 0.00002.

Submissions (5):

Labcorp Genetics (formerly Invitae), Labcorp
Classification: Pathogenic for ALG3-congenital disorder of glycosylation. Last evaluated: 2025-04-21. Review status: criteria provided, single submitter. Criteria: Invitae Variant Classification Sherloc (09022015). Collection method: clinical testing. Allele origin: germline.
Comment: This sequence change affects codon 55 of the ALG3 mRNA. It is a 'silent' change, meaning that it does not change the encoded amino acid sequence of the ALG3 protein. This variant is not present in population databases (gnomAD no frequency). This variant has been observed in individual(s) with ALG3-congenital disorder of glycosylation (PMID: 15108280, 27172925, 31067009). It has also been observed to segregate with disease in related individuals. ClinVar contains an entry for this variant (Variation ID: 2128). Algorithms developed to predict the effect of sequence changes on RNA splicing suggest that this variant may disrupt the consensus splice site. For these reasons, this variant has been classified as Pathogenic.

Genomic Research Center, Shahid Beheshti University of Medical Sciences
Classification: Pathogenic for ALG3-congenital disorder of glycosylation. Last evaluated: 2023-12-10. Review status: criteria provided, single submitter. Criteria: ACMG Guidelines, 2015. Collection method: clinical testing. Allele origin: inherited. Affected: yes.

GeneDx
Classification: Pathogenic. Last evaluated: 2023-06-05. Review status: criteria provided, single submitter. Criteria: GeneDx Variant Classification Process June 2021. Collection method: clinical testing. Allele origin: germline. Affected: yes.
Comment: This variant is demonstrated to cause aberrant splicing and result in loss of function (Denecke et al., 2004); Not observed at significant frequency in large population cohorts (gnomAD); This variant is associated with the following publications: (PMID: 30487145, 31618474, 27172925, 31067009, 15108280, 32389449)

Broad Center for Mendelian Genomics, Broad Institute of MIT and Harvard
Classification: Likely pathogenic for ALG3-congenital disorder of glycosylation. Last evaluated: 2023-05-02. Review status: criteria provided, single submitter. Criteria: ACMG Guidelines, 2015. Collection method: curation. Allele origin: germline. Inheritance: Autosomal recessive inheritance.
Comment: The homozygous c.154+6C>T variant in ALG3 was identified by our study in two siblings with facial dysmorphism, muscle weakness, absent speech, and delayed gross motor development (PMID: 32389449). The c.154+6C>T variant in ALG3 has been previously reported in three individuals with congenital disorder of glycosylation type 1d (PMID: 15108280, PMID: 27172925, PMID: 28122681), but has been identified in 0.003% (2/65800) of European (non-Finnish) chromosomes by the Genome Aggregation Database (gnomAD; dbSNP ID: rs387906273). Although this variant has been seen in the general population in a heterozygous state, its frequency is low enough to be consistent with a recessive carrier frequency. This variant has also been reported in ClinVar (Variation ID: 2128) with conflicting interpretations of pathogenicity. Of the 3 affected individuals previously reported, two were homozygotes (PMID: 28122681, PMID: 15108280) and one was a compound heterozygote who carried a variant of uncertain significance in trans (PMID: 27172925, ClinVar Variation ID: 1053045), which increases the likelihood that the c.154+6C>T variant is pathogenic. The phenotype of two individuals homozygous for this variant is highly specific for congenital disorder of glycosylation type 1d based on their abnormal lipid-linked oligosaccharide profiles including the presence of truncated Man5-GlcNAc2, consistent with disease (PMID: 28122681, PMID: 15108280). RT-PCR analysis of RNA from affected tissue showed altered splicing of exon 1, leading to a 35bp deletion (c.160_196del), frameshift, and premature truncation (PMID: 15108280). This variant is located in the 5' splice region. Computational tools do suggest an impact to splicing. However, this information is not predictive enough to determine pathogenicity. In summary, although additional studies are required to fully establish its clinical significance, this variant is likely pathogenic for autosomal recessive congenital disorder of glycosylation type 1d. ACMG/AMP Criteria applied: PS3_Moderate, PM2_Supporting, PM3, PP4 (Richards 2015).

OMIM
Classification: Pathogenic for CONGENITAL DISORDER OF GLYCOSYLATION, TYPE Id. Last evaluated: 2005-08-01. Review status: no assertion criteria provided. Collection method: literature only. Allele origin: germline. Not counted in ClinVar's aggregate classification.

Literature cited by the submitters: PubMed 15108280 (cited by Labcorp Genetics (formerly Invitae), Labcorp and OMIM); PubMed 27172925 (cited by Labcorp Genetics (formerly Invitae), Labcorp); PubMed 31067009 (cited by Labcorp Genetics (formerly Invitae), Labcorp); PubMed 16006436 (cited by OMIM); PubMed 32389449 (cited by OMIM).